The following is an entry in ClinVar:

NM_004656.4(BAP1):c.771G>A (p.Glu257=)

Gene: BAP1 (BRCA1 associated deubiquitinase 1; minus strand). Cytogenetic location: 3p21.1.
Variant type: single nucleotide variant.
Coding change: c.771G>A on transcript NM_004656.4 (MANE Select); coding-DNA position 771, G replaced by A.
Protein change: p.Glu257=; no amino-acid change (glutamic acid 257 retained).
Molecular consequence: synonymous variant.
Genome position (GRCh38, 1-based): chr3:52,406,265, C>T on the plus strand (G>A on the coding strand, the complement: BAP1 is on the minus strand). VCF-style: chr3-52406265-C-T. GRCh37 (hg19) VCF-style: chr3-52440281-C-T.
Other names: c.717G>A, p.Glu239= (NM_001410772.1).
Identifiers: ClinVar variation 3001471 (VCV003001471.4), dbSNP rs2153227425, ClinGen allele CA433776118.

ClinVar aggregate classification (germline): Benign/Likely benign. Review status: criteria provided, multiple submitters, no conflicts (2 of 4 stars). 2 submissions from 2 submitters: Benign (1); Likely benign (1). Last evaluated 2024-07-15.

Conditions:
BAP1-related tumor predisposition syndrome (TPDS1). Also called: Tumor susceptibility linked to germline BAP1 mutations; BAP1 tumor predisposition syndrome; COMMON Syndrome; TUMOR PREDISPOSITION SYNDROME 1. Identifiers: Orphanet 289539, MedGen C3280492, MONDO:0013692, OMIM 614327.

Allele frequency attached by ClinVar (database versions not stated): gnomAD exomes below 0.00001.
gnomAD v4.1: 1 of 1,614,190 alleles (0.000062%); highest among the groups gnomAD compares: South Asian, 0.0011%; no homozygotes.

Submissions (2):

Myriad Genetics, Inc.
Classification: Benign for BAP1-related tumor predisposition syndrome. Last evaluated: 2024-07-15. Review status: criteria provided, single submitter. Criteria: Myriad Autosomal Dominant, Autosomal Recessive and X-Linked Classification Criteria (2023). Collection method: clinical testing. Allele origin: unknown.
Comment: This variant is considered benign. This variant is a silent/synonymous amino acid change and it is not expected to impact splicing.

Labcorp Genetics (formerly Invitae), Labcorp
Classification: Likely benign for BAP1-related tumor predisposition syndrome. Last evaluated: 2023-02-22. Review status: criteria provided, single submitter. Criteria: Invitae Variant Classification Sherloc (09022015). Collection method: clinical testing. Allele origin: germline.